The following is an entry in ClinVar:

ClinVar aggregate classification (germline): Uncertain significance (1 of 4 stars; one submission).

Conditions:
Inborn genetic diseases. Identifiers: MedGen C0950123, MeSH D030342.

Submission:

Ambry Genetics
Classification: Uncertain significance for Inborn genetic diseases. Last evaluated: 2025-03-20. Review status: criteria provided, single submitter. Criteria: Ambry Variant Classification Scheme 2023. Collection method: clinical testing. Allele origin: germline.
Comment: The p.V28A variant (also known as c.83T>C), located in coding exon 1 of the RTEL1 gene, results from a T to C substitution at nucleotide position 83. The valine at codon 28 is replaced by alanine, an amino acid with similar properties. This amino acid position is conserved. In addition, this alteration is predicted to be deleterious by in silico analysis. Based on the available evidence, the clinical significance of this variant remains unclear.

NM_001283009.2(RTEL1):c.83T>C (p.Val28Ala)

Genes: RTEL1 (regulator of telomere elongation helicase 1; plus strand), RTEL1-TNFRSF6B (RTEL1-TNFRSF6B readthrough (NMD candidate); plus strand). Cytogenetic location: 20q13.33.
Variant type: single nucleotide variant.
Coding change: c.83T>C on transcript NM_001283009.2 (MANE Select); coding-DNA position 83, T replaced by C.
Protein change: p.Val28Ala; replaces valine 28 with alanine.
Molecular consequence: missense variant. On other transcripts: non-coding transcript variant (1), intron variant (1).
Genome position (GRCh38, 1-based): chr20:63,659,485, T>C. VCF-style: chr20-63659485-T-C. GRCh37 (hg19) VCF-style: chr20-62290838-T-C.
Other names: c.83T>C, p.Val28Ala (NM_016434.4, NM_032957.5); c.-568+1026T>C (NM_001283010.1); short protein forms V28A.
Identifiers: ClinVar variation 3948231 (VCV003948231.1).